The following is an entry in ClinVar:

NM_014141.6(CNTNAP2):c.3257A>G (p.Gln1086Arg)

Gene: CNTNAP2 (contactin associated protein 2; plus strand). Cytogenetic location: 7q36.1.
Variant type: single nucleotide variant.
Coding change: c.3257A>G on transcript NM_014141.6 (MANE Select); coding-DNA position 3257, A replaced by G.
Protein change: p.Gln1086Arg; replaces glutamine 1086 with arginine.
Molecular consequence: missense variant.
Genome position (GRCh38, 1-based): chr7:148,229,655, A>G. VCF-style: chr7-148229655-A-G. GRCh37 (hg19) VCF-style: chr7-147926747-A-G.
Other names: short protein forms Q1086R.
Identifiers: ClinVar variation 1994832 (VCV001994832.4), dbSNP rs1795923883, ClinGen allele CA369929589.

ClinVar aggregate classification (germline): Uncertain significance (1 of 4 stars; one submission).

Conditions:
Cortical dysplasia-focal epilepsy syndrome (PTHSL1). Also called: Pitt-Hopkins-like syndrome 1. Identifiers: Orphanet 163681, Orphanet 221150, MedGen C2750246, MONDO:0012400, OMIM 610042.

Allele frequency attached by ClinVar (database versions not stated): TOPMed below 0.00001.

Submission:

Labcorp Genetics (formerly Invitae), Labcorp
Classification: Uncertain significance for Cortical dysplasia-focal epilepsy syndrome. Last evaluated: 2022-05-15. Review status: criteria provided, single submitter. Criteria: Invitae Variant Classification Sherloc (09022015). Collection method: clinical testing. Allele origin: germline.
Comment: This variant is not present in population databases (gnomAD no frequency). This sequence change replaces glutamine, which is neutral and polar, with arginine, which is basic and polar, at codon 1086 of the CNTNAP2 protein (p.Gln1086Arg). This variant has not been reported in the literature in individuals affected with CNTNAP2-related conditions. In summary, the available evidence is currently insufficient to determine the role of this variant in disease. Therefore, it has been classified as a Variant of Uncertain Significance. Algorithms developed to predict the effect of missense changes on protein structure and function (SIFT, PolyPhen-2, Align-GVGD) all suggest that this variant is likely to be disruptive.